The following is an entry in ClinVar:

NM_016507.4(CDK12):c.597A>C (p.Lys199Asn)

Genes: CDK12 (cyclin dependent kinase 12; plus strand), LOC126862553 (CDK7 strongly-dependent group 2 enhancer GRCh37_chr17:37618166-37619365; plus strand). Cytogenetic location: 17q12.
Variant type: single nucleotide variant.
Coding change: c.597A>C on transcript NM_016507.4 (MANE Select); coding-DNA position 597, A replaced by C.
Protein change: p.Lys199Asn; replaces lysine 199 with asparagine.
Molecular consequence: missense variant.
Genome position (GRCh38, 1-based): chr17:39,462,668, A>C. VCF-style: chr17-39462668-A-C. GRCh37 (hg19) VCF-style: chr17-37618921-A-C.
Other names: c.597A>C, p.Lys199Asn (NM_015083.4); short protein forms K199N.
Identifiers: ClinVar variation 4868508 (VCV004868508.1).

ClinVar aggregate classification (germline): Uncertain significance (1 of 4 stars; one submission).

Submission:

Ambry Genetics
Classification: Uncertain significance. Last evaluated: 2026-04-26. Review status: criteria provided, single submitter. Criteria: Ambry Variant Classification Scheme 2023. Collection method: clinical testing. Allele origin: germline.
Comment: The p.K199N variant (also known as c.597A>C), located in coding exon 1 of the CDK12 gene, results from an A to C substitution at nucleotide position 597. The lysine at codon 199 is replaced by asparagine, an amino acid with similar properties. This amino acid position is conserved. In addition, this alteration is predicted to be tolerated by in silico analysis. Based on the available evidence, the clinical significance of this variant remains unclear.